The following is an entry in ClinVar:

NM_001365088.1(SLC12A6):c.1933A>G (p.Ile645Val)

Gene: SLC12A6 (solute carrier family 12 member 6; minus strand). Cytogenetic location: 15q14.
Variant type: single nucleotide variant.
Coding change: c.1933A>G on transcript NM_001365088.1 (MANE Select); coding-DNA position 1933, A replaced by G.
Protein change: p.Ile645Val; replaces isoleucine 645 with valine.
Molecular consequence: missense variant.
Genome position (GRCh38, 1-based): chr15:34,245,295, T>C on the plus strand (A>G on the coding strand, the complement: SLC12A6 is on the minus strand). VCF-style: chr15-34245295-T-C. GRCh37 (hg19) VCF-style: chr15-34537496-T-C.
Other names: c.1756A>G, p.Ile586Val (NM_001042494.2, NM_001042495.2); c.1906A>G, p.Ile636Val (NM_001042496.2); c.1888A>G, p.Ile630Val (NM_001042497.2); c.1780A>G, p.Ile594Val (NM_005135.2); c.1933A>G, p.Ile645Val (NM_133647.2); short protein forms I586V, I594V, I630V, I636V, I645V.
Identifiers: ClinVar variation 1163567 (VCV001163567.11), dbSNP rs572342330, ClinGen allele CA7464190.

ClinVar aggregate classification (germline): Uncertain significance. Review status: criteria provided, multiple submitters, no conflicts (2 of 4 stars). 4 submissions from 4 submitters: Uncertain significance (4). Last evaluated 2024-10-13.

Allele frequency attached by ClinVar (database versions not stated): gnomAD 0.00001 and 0.00003; TOPMed 0.00001; ExAC 0.00002; gnomAD exomes 0.00003; 1000 Genomes Project 0.00020; 1000 Genomes Project 30x 0.00047.
gnomAD v4.1: 51 of 1,560,746 alleles (0.0033%); highest among the groups gnomAD compares: Middle Eastern, 0.067%; no homozygotes.

Submissions (4):

Labcorp Genetics (formerly Invitae), Labcorp
Classification: Uncertain significance. Last evaluated: 2024-10-13. Review status: criteria provided, single submitter. Criteria: Invitae Variant Classification Sherloc (09022015). Collection method: clinical testing. Allele origin: germline.
Comment: This sequence change replaces isoleucine, which is neutral and non-polar, with valine, which is neutral and non-polar, at codon 645 of the SLC12A6 protein (p.Ile645Val). This variant is present in population databases (rs572342330, gnomAD 0.02%). This variant has not been reported in the literature in individuals affected with SLC12A6-related conditions. ClinVar contains an entry for this variant (Variation ID: 1163567). Invitae Evidence Modeling of protein sequence and biophysical properties (such as structural, functional, and spatial information, amino acid conservation, physicochemical variation, residue mobility, and thermodynamic stability) indicates that this missense variant is not expected to disrupt SLC12A6 protein function with a negative predictive value of 80%. In summary, the available evidence is currently insufficient to determine the role of this variant in disease. Therefore, it has been classified as a Variant of Uncertain Significance.

Revvity Omics, Revvity
Classification: Uncertain significance. Last evaluated: 2023-04-04. Review status: criteria provided, single submitter. Criteria: ACMG Guidelines, 2015. Collection method: clinical testing. Allele origin: germline.

GeneDx
Classification: Uncertain significance. Last evaluated: 2023-01-13. Review status: criteria provided, single submitter. Criteria: GeneDx Variant Classification Process June 2021. Collection method: clinical testing. Allele origin: germline. Affected: yes.
Comment: In silico analysis supports that this missense variant does not alter protein structure/function; Has not been previously published as pathogenic or benign to our knowledge

Mayo Clinic Laboratories, Mayo Clinic
Classification: Uncertain significance. Last evaluated: 2020-11-19. Review status: criteria provided, single submitter. Criteria: ACMG Guidelines, 2015. Collection method: clinical testing. Allele origin: germline. Observed: 1 variant allele.